The following is an entry in ClinVar:

ClinVar aggregate classification (germline): Conflicting classifications of pathogenicity. Review status: criteria provided, conflicting classifications (1 of 4 stars). 5 submissions from 5 submitters: Uncertain significance (3); Likely benign (2). Last evaluated 2026-05-26.

Conditions:
Hereditary cancer-predisposing syndrome. Also called: Hereditary neoplastic syndrome; Neoplastic Syndromes, Hereditary; Hereditary Cancer Syndrome; Tumor predisposition. Identifiers: Orphanet 140162, MedGen C0027672, MeSH D009386, MONDO:0015356.
Gastrointestinal stromal tumor. Also called: Gastrointestinal stromal tumor, somatic; Gastrointestinal stroma tumor. Identifiers: Orphanet 44890, MedGen C0238198, MeSH D046152, MONDO:0011719, OMIM 606764, HP:0100723.

Allele frequency attached by ClinVar (database versions not stated): TOPMed 0.00002; gnomAD 0.00005 and 0.00007; ESP Exome Variant Server 0.00008; 1000 Genomes Project 0.00060; 1000 Genomes Project 30x 0.00094.
gnomAD v4.1: 30 of 1,614,206 alleles (0.0019%); highest among the groups gnomAD compares: East Asian, 0.013%; no homozygotes.

Submissions (5):

Myriad Genetics, Inc.
Classification: Likely benign for Gastrointestinal stromal tumor. Last evaluated: 2026-05-26. Review status: criteria provided, single submitter. Criteria: Myriad Autosomal Dominant, Autosomal Recessive and X-Linked Classification Criteria (2023). Collection method: clinical testing. Allele origin: unknown.
Comment: This variant is considered likely benign. This variant has been observed at a population frequency that is significantly greater than expected given the associated disease prevalence and penetrance.

Labcorp Genetics (formerly Invitae), Labcorp
Classification: Uncertain significance for Gastrointestinal stromal tumor. Last evaluated: 2026-01-26. Review status: criteria provided, single submitter. Criteria: Invitae Variant Classification Sherloc (09022015). Collection method: clinical testing. Allele origin: germline.
Comment: This sequence change replaces arginine, which is basic and polar, with histidine, which is basic and polar, at codon 49 of the KIT protein (p.Arg49His). This variant is present in population databases (rs376469897, gnomAD 0.01%). This variant has not been reported in the literature in individuals affected with KIT-related conditions. ClinVar contains an entry for this variant (Variation ID: 458874). An algorithm developed to predict the effect of missense changes on protein structure and function (PolyPhen-2) suggests that this variant is likely to be tolerated. In summary, the available evidence is currently insufficient to determine the role of this variant in disease. Therefore, it has been classified as a Variant of Uncertain Significance.

St. Jude Molecular Pathology, St. Jude Children's Research Hospital
Classification: Uncertain significance for Gastrointestinal stromal tumor. Last evaluated: 2025-06-17. Review status: criteria provided, single submitter. Criteria: St. Jude Assertion Criteria 2020. Collection method: clinical testing. Allele origin: germline.
Comment: The KIT c.146G>A p.(Arg49His) missense change has a maximum subpopulation frequency of 0.01% in gnomAD v2.1.1. The in silico tool REVEL predicts a benign effect on protein function, but to our knowledge this prediction has not been confirmed by functional studies. To our knowledge, this variant has not been reported in individuals with KIT-related gastrointestinal stromal tumor. In summary, the evidence currently available is insufficient to determine the clinical significance of this variant. It has therefore been classified as of uncertain significance.

Ambry Genetics
Classification: Likely benign for Hereditary cancer-predisposing syndrome. Last evaluated: 2025-01-14. Review status: criteria provided, single submitter. Criteria: Ambry Variant Classification Scheme 2023. Collection method: clinical testing. Allele origin: germline.

CeGaT Center for Human Genetics Tuebingen
Classification: Uncertain significance. Last evaluated: 2022-11-01. Review status: criteria provided, single submitter. Criteria: CeGaT Center For Human Genetics Tuebingen Variant Classification Criteria Version 2. Collection method: clinical testing. Allele origin: germline. Affected: yes. Observed: 1 variant allele.
Comment: KIT: PM2:Supporting, BP4

NM_000222.3(KIT):c.146G>A (p.Arg49His)

Gene: KIT (KIT proto-oncogene, receptor tyrosine kinase; plus strand). Cytogenetic location: 4q12.
Variant type: single nucleotide variant.
Coding change: c.146G>A on transcript NM_000222.3 (MANE Select); coding-DNA position 146, G replaced by A.
Protein change: p.Arg49His; replaces arginine 49 with histidine.
Molecular consequence: missense variant.
Genome position (GRCh38, 1-based): chr4:54,695,590, G>A. VCF-style: chr4-54695590-G-A. GRCh37 (hg19) VCF-style: chr4-55561756-G-A.
Other names: c.146G>A, p.Arg49His (NM_001093772.2, NM_001385284.1, NM_001385285.1 and 4 more transcripts); short protein forms R49H.
Identifiers: ClinVar variation 458874 (VCV000458874.41), dbSNP rs376469897, ClinGen allele CA2923168.